The following is an entry in ClinVar:

NM_004990.4(MARS1):c.356G>A (p.Arg119Lys)

Gene: MARS1 (methionyl-tRNA synthetase 1; plus strand). Cytogenetic location: 12q13.3.
Variant type: single nucleotide variant.
Coding change: c.356G>A on transcript NM_004990.4 (MANE Select); coding-DNA position 356, G replaced by A.
Protein change: p.Arg119Lys; replaces arginine 119 with lysine.
Molecular consequence: missense variant.
Genome position (GRCh38, 1-based): chr12:57,489,500, G>A. VCF-style: chr12-57489500-G-A. GRCh37 (hg19) VCF-style: chr12-57883283-G-A.
Other names: short protein forms R119K.
Identifiers: ClinVar variation 3753096 (VCV003753096.2).

ClinVar aggregate classification (germline): Uncertain significance (1 of 4 stars; one submission).

Conditions:
Severe early-onset pulmonary alveolar proteinosis due to MARS deficiency. Also called: Interstitial lung and liver disease; PULMONARY ALVEOLAR PROTEINOSIS, REUNION ISLAND. Identifiers: Orphanet 440427, MedGen C4225400, MONDO:0014206, OMIM 615486.
Charcot-Marie-Tooth disease axonal type 2U. Also called: CHARCOT-MARIE-TOOTH NEUROPATHY, TYPE 2U; CHARCOT-MARIE-TOOTH DISEASE, AXONAL, AUTOSOMAL DOMINANT, TYPE 2U. Identifiers: Orphanet 397735, MedGen C4084821, MONDO:0014566, OMIM 616280.

gnomAD v4.1: 2 of 1,614,160 alleles (0.00012%); highest among the groups gnomAD compares: South Asian, 0.0011%; no homozygotes.

Submission:

Labcorp Genetics (formerly Invitae), Labcorp
Classification: Uncertain significance for Charcot-Marie-Tooth disease axonal type 2U; Severe early-onset pulmonary alveolar proteinosis due to MARS deficiency. Last evaluated: 2025-01-12. Review status: criteria provided, single submitter. Criteria: Invitae Variant Classification Sherloc (09022015). Collection method: clinical testing. Allele origin: germline.
Comment: This sequence change replaces arginine, which is basic and polar, with lysine, which is basic and polar, at codon 119 of the MARS protein (p.Arg119Lys). This variant is not present in population databases (gnomAD no frequency). This variant has not been reported in the literature in individuals affected with MARS-related conditions. An algorithm developed to predict the effect of missense changes on protein structure and function outputs the following: PolyPhen-2: "Benign". The lysine amino acid residue is found in multiple mammalian species, which suggests that this missense change does not adversely affect protein function. In summary, the available evidence is currently insufficient to determine the role of this variant in disease. Therefore, it has been classified as a Variant of Uncertain Significance.